The following is an entry in ClinVar:

ClinVar aggregate classification (germline): Uncertain significance (1 of 4 stars; one submission).

Conditions:
Primary ciliary dyskinesia. Also called: Ciliary dyskinesia. Identifiers: Orphanet 244, MedGen C0008780, MONDO:0016575, HP:0012265.

Allele frequency attached by ClinVar (database versions not stated): ExAC 0.00002; gnomAD 0.00002; gnomAD exomes 0.00003; TOPMed 0.00003.
gnomAD v4.1: 47 of 1,613,666 alleles (0.0029%); highest among the groups gnomAD compares: Non-Finnish European, 0.0038%; no homozygotes.

Submission:

Labcorp Genetics (formerly Invitae), Labcorp
Classification: Uncertain significance for Primary ciliary dyskinesia. Last evaluated: 2024-08-02. Review status: criteria provided, single submitter. Criteria: Invitae Variant Classification Sherloc (09022015). Collection method: clinical testing. Allele origin: germline.
Comment: This sequence change replaces cysteine, which is neutral and slightly polar, with arginine, which is basic and polar, at codon 3160 of the DNAH5 protein (p.Cys3160Arg). This variant is present in population databases (rs770665819, gnomAD 0.007%). This variant has not been reported in the literature in individuals affected with DNAH5-related conditions. ClinVar contains an entry for this variant (Variation ID: 1991865). Advanced modeling of protein sequence and biophysical properties (such as structural, functional, and spatial information, amino acid conservation, physicochemical variation, residue mobility, and thermodynamic stability) has been performed at Invitae for this missense variant, however the output from this modeling did not meet the statistical confidence thresholds required to predict the impact of this variant on DNAH5 protein function. In summary, the available evidence is currently insufficient to determine the role of this variant in disease. Therefore, it has been classified as a Variant of Uncertain Significance.

NM_001369.3(DNAH5):c.9478T>C (p.Cys3160Arg)

Gene: DNAH5 (dynein axonemal heavy chain 5; minus strand). Cytogenetic location: 5p15.2.
Variant type: single nucleotide variant.
Coding change: c.9478T>C on transcript NM_001369.3 (MANE Select); coding-DNA position 9478, T replaced by C.
Protein change: p.Cys3160Arg; replaces cysteine 3160 with arginine.
Molecular consequence: missense variant.
Genome position (GRCh38, 1-based): chr5:13,770,876, A>G on the plus strand (T>C on the coding strand, the complement: DNAH5 is on the minus strand). VCF-style: chr5-13770876-A-G. GRCh37 (hg19) VCF-style: chr5-13770985-A-G.
Other names: short protein forms C3160R.
Identifiers: ClinVar variation 1991865 (VCV001991865.3), dbSNP rs770665819, ClinGen allele CA3202539.